The following is an entry in ClinVar:

ClinVar aggregate classification (germline): Uncertain significance (1 of 4 stars; one submission).

Conditions:
Developmental and epileptic encephalopathy 94 (DEE94). Also called: Epileptic encephalopathy, childhood-onset; CHD2-Related Neurodevelopmental Disorders. Identifiers: Orphanet 1942, Orphanet 2382, MedGen C3809278, MONDO:0014150, OMIM 615369.

Allele frequency attached by ClinVar (database versions not stated): TOPMed below 0.00001; ExAC 0.00001; ESP Exome Variant Server 0.00008.

Submission:

Labcorp Genetics (formerly Invitae), Labcorp
Classification: Uncertain significance for Developmental and epileptic encephalopathy 94. Last evaluated: 2023-07-14. Review status: criteria provided, single submitter. Criteria: Invitae Variant Classification Sherloc (09022015). Collection method: clinical testing. Allele origin: germline.
Comment: This sequence change replaces histidine, which is basic and polar, with glutamine, which is neutral and polar, at codon 1619 of the CHD2 protein (p.His1619Gln). This variant is present in population databases (rs370870386, gnomAD 0.007%). In summary, the available evidence is currently insufficient to determine the role of this variant in disease. Therefore, it has been classified as a Variant of Uncertain Significance. Advanced modeling of protein sequence and biophysical properties (such as structural, functional, and spatial information, amino acid conservation, physicochemical variation, residue mobility, and thermodynamic stability) performed at Invitae indicates that this missense variant is not expected to disrupt CHD2 protein function. This variant has not been reported in the literature in individuals affected with CHD2-related conditions.

NM_001271.4(CHD2):c.4857C>A (p.His1619Gln)

Gene: CHD2 (chromodomain helicase DNA binding protein 2; plus strand). Cytogenetic location: 15q26.1.
Variant type: single nucleotide variant.
Coding change: c.4857C>A on transcript NM_001271.4 (MANE Select); coding-DNA position 4857, C replaced by A.
Protein change: p.His1619Gln; replaces histidine 1619 with glutamine.
Molecular consequence: missense variant.
Genome position (GRCh38, 1-based): chr15:93,014,860, C>A. VCF-style: chr15-93014860-C-A. GRCh37 (hg19) VCF-style: chr15-93558090-C-A.
Other names: short protein forms H1619Q.
Identifiers: ClinVar variation 2743206 (VCV002743206.3), dbSNP rs370870386, ClinGen allele CA7748570.